The following is an entry in ClinVar:

NM_001876.4(CPT1A):c.2168C>T (p.Ser723Leu)

Gene: CPT1A (carnitine palmitoyltransferase 1A; minus strand). Cytogenetic location: 11q13.3.
Variant type: single nucleotide variant.
Coding change: c.2168C>T on transcript NM_001876.4 (MANE Select); coding-DNA position 2168, C replaced by T.
Protein change: p.Ser723Leu; replaces serine 723 with leucine.
Molecular consequence: missense variant.
Genome position (GRCh38, 1-based): chr11:68,759,636, G>A on the plus strand (C>T on the coding strand, the complement: CPT1A is on the minus strand). VCF-style: chr11-68759636-G-A. GRCh37 (hg19) VCF-style: chr11-68527104-G-A.
Other names: c.2168C>T, p.Ser723Leu (NM_001031847.3); short protein forms S723L.
Identifiers: ClinVar variation 3708954 (VCV003708954.2).

ClinVar aggregate classification (germline): Uncertain significance (1 of 4 stars; one submission).

Conditions:
Carnitine palmitoyl transferase 1A deficiency. Also called: Carnitine palmitoyltransferase 1A deficiency; CPT I DEFICIENCY; CPT DEFICIENCY, HEPATIC, TYPE I; Carnitine palmitoyltransferase type I deficiency; CPT deficiency, hepatic, type IA. Identifiers: Orphanet 156, MedGen C1829703, MONDO:0009705, OMIM 255120.

gnomAD v4.1: 5 of 1,613,492 alleles (0.00031%); highest among the groups gnomAD compares: African/African-American, 0.0013%; no homozygotes.

Submission:

Labcorp Genetics (formerly Invitae), Labcorp
Classification: Uncertain significance for Carnitine palmitoyl transferase 1A deficiency. Last evaluated: 2024-10-19. Review status: criteria provided, single submitter. Criteria: Invitae Variant Classification Sherloc (09022015). Collection method: clinical testing. Allele origin: germline.
Comment: This sequence change replaces serine, which is neutral and polar, with leucine, which is neutral and non-polar, at codon 723 of the CPT1A protein (p.Ser723Leu). This variant is not present in population databases (gnomAD no frequency). This variant has not been reported in the literature in individuals affected with CPT1A-related conditions. Invitae Evidence Modeling of protein sequence and biophysical properties (such as structural, functional, and spatial information, amino acid conservation, physicochemical variation, residue mobility, and thermodynamic stability) indicates that this missense variant is expected to disrupt CPT1A protein function with a positive predictive value of 95%. In summary, the available evidence is currently insufficient to determine the role of this variant in disease. Therefore, it has been classified as a Variant of Uncertain Significance.